The following is an entry in ClinVar:

NM_002709.3(PPP1CB):c.235G>A (p.Gly79Ser)

Gene: PPP1CB (protein phosphatase 1 catalytic subunit beta; plus strand). Cytogenetic location: 2p23.2.
Variant type: single nucleotide variant.
Coding change: c.235G>A on transcript NM_002709.3 (MANE Select); coding-DNA position 235, G replaced by A.
Protein change: p.Gly79Ser; replaces glycine 79 with serine.
Molecular consequence: missense variant.
Genome position (GRCh38, 1-based): chr2:28,778,859, G>A. VCF-style: chr2-28778859-G-A. GRCh37 (hg19) VCF-style: chr2-29001725-G-A.
Other names: c.235G>A, p.Gly79Ser (NM_206876.2); short protein forms G79S.
Identifiers: ClinVar variation 3668534 (VCV003668534.2).

ClinVar aggregate classification (germline): Uncertain significance (1 of 4 stars; one submission).

Submission:

Labcorp Genetics (formerly Invitae), Labcorp
Classification: Uncertain significance. Last evaluated: 2025-03-09. Review status: criteria provided, single submitter. Criteria: Invitae Variant Classification Sherloc (09022015). Collection method: clinical testing. Allele origin: germline.
Comment: This sequence change replaces glycine, which is neutral and non-polar, with serine, which is neutral and polar, at codon 79 of the PPP1CB protein (p.Gly79Ser). This variant is not present in population databases (gnomAD no frequency). This missense change has been observed in individual(s) with congenital diaphragmatic hernia (PMID: 34547244). Invitae Evidence Modeling of protein sequence and biophysical properties (such as structural, functional, and spatial information, amino acid conservation, physicochemical variation, residue mobility, and thermodynamic stability) has been performed for this missense variant. However, the output from this modeling did not meet the statistical confidence thresholds required to predict the impact of this variant on PPP1CB protein function. In summary, the available evidence is currently insufficient to determine the role of this variant in disease. Therefore, it has been classified as a Variant of Uncertain Significance.

Literature cited by the submitters: PubMed 34547244.